The following is an entry in ClinVar:

ClinVar aggregate classification (germline): Pathogenic (1 of 4 stars; one submission).

Submission:

GeneDx
Classification: Pathogenic. Last evaluated: 2025-08-14. Review status: criteria provided, single submitter. Criteria: GeneDx Variant Classification Process June 2021. Collection method: clinical testing. Allele origin: germline. Affected: yes.
Comment: Not observed at significant frequency in large population cohorts (gnomAD); In silico analysis supports that this missense variant has a deleterious effect on protein structure/function; Also known as p.(L219P); This variant is associated with the following publications: (PMID: 38185014)

NM_002465.4(MYBPC1):c.788T>C (p.Leu263Pro)

Gene: MYBPC1 (myosin binding protein C1; plus strand). Cytogenetic location: 12q23.2.
Variant type: single nucleotide variant.
Coding change: c.788T>C on transcript NM_002465.4 (MANE Select); coding-DNA position 788, T replaced by C.
Protein change: p.Leu263Pro; replaces leucine 263 with proline.
Molecular consequence: missense variant.
Genome position (GRCh38, 1-based): chr12:101,642,541, T>C. VCF-style: chr12-101642541-T-C. GRCh37 (hg19) VCF-style: chr12-102036319-T-C.
Other names: c.578T>C, p.Leu193Pro (NM_001404679.1, NM_001404681.1, NM_001404677.1); c.635T>C, p.Leu212Pro (NM_001404680.1, NM_001254722.3); c.788T>C, p.Leu263Pro (NM_206819.4, NM_001404675.1); c.713T>C, p.Leu238Pro (NM_206820.4, NM_206821.4, NM_001254718.3 and 1 more transcripts); c.677T>C, p.Leu226Pro (NM_001254720.3); c.656T>C, p.Leu219Pro (NM_001254721.3, NM_001404676.1, NM_001404678.1); c.674T>C, p.Leu225Pro (NM_001254723.3); short protein forms L193P, L212P, L238P, L219P, L226P, L225P, L263P.
Identifiers: ClinVar variation 4795471 (VCV004795471.1).